The following is an entry in ClinVar:

ClinVar aggregate classification (germline): Uncertain significance (1 of 4 stars; one submission).

Conditions:
Cardiovascular phenotype. Identifiers: MedGen CN230736.

Submission:

Ambry Genetics
Classification: Uncertain significance for Cardiovascular phenotype. Last evaluated: 2026-03-12. Review status: criteria provided, single submitter. Criteria: Ambry Variant Classification Scheme 2023. Collection method: clinical testing. Allele origin: germline.
Comment: The p.S3061G variant (also known as c.9181A>G), located in coding exon 2 of the ZNF469 gene, results from an A to G substitution at nucleotide position 9181. The serine at codon 3061 is replaced by glycine, an amino acid with similar properties. This amino acid position is conserved. In addition, this alteration is predicted to be tolerated by in silico analysis. Based on the available evidence, the clinical significance of this variant remains unclear.

NM_001127464.1:c.9181A>G

Gene: ZNF469 (zinc finger protein 469; plus strand).
Variant type: single nucleotide variant.
Identifiers: ClinVar variation 4824420 (VCV004824420.1).